The following is an entry in ClinVar:

ClinVar aggregate classification (germline): Conflicting classifications of pathogenicity. Review status: criteria provided, conflicting classifications (1 of 4 stars). 10 submissions from 10 submitters: Likely pathogenic (3); Uncertain significance (5). 2 of the submissions do not count toward it. Last evaluated 2025-12-29.

Conditions:
Hypertrophic cardiomyopathy 9. Also called: Familial hypertrophic cardiomyopathy 9. Identifiers: MedGen C1861065, MONDO:0013412, OMIM 613765.
Dilated cardiomyopathy 1G (CMD1G). Identifiers: Orphanet 154, MedGen C1858763, MONDO:0011400, OMIM 604145.
Myopathy, myofibrillar, 9, with early respiratory failure (MFM9). Also called: Myopathy, distal, with early respiratory failure, autosomal dominant; EDSTROM MYOPATHY; MYOPATHY, PROXIMAL, WITH EARLY RESPIRATORY MUSCLE INVOLVEMENT; Hereditary myopathy with early respiratory failure. Identifiers: Orphanet 178464, Orphanet 34521, MedGen C1863599, MONDO:0011362, OMIM 603689.
Tibial muscular dystrophy (TMD). Also called: Tibial muscular dystrophy, tardive; UDD MYOPATHY; Udd Distal Myopathy – Tibial Muscular Dystrophy. Identifiers: Orphanet 609, MedGen C1838244, MONDO:0010870, OMIM 600334.
Autosomal recessive limb-girdle muscular dystrophy type 2J (LGMDR10). Also called: MUSCULAR DYSTROPHY, LIMB-GIRDLE, AUTOSOMAL RECESSIVE 10; Limb-girdle muscular dystrophy, type 2J. Identifiers: Orphanet 140922, MedGen C1837342, MONDO:0012127, OMIM 608807.
TTN-related disorder. Also called: TTN-related condition; TTN-related disease; TTN-related disorders.
Tip-toe gait. Also called: Toe walking. Identifiers: MedGen C0427144, HP:0030051.

Allele frequency attached by ClinVar (database versions not stated): gnomAD exomes below 0.00001; gnomAD 0.00001; TOPMed 0.00001.
gnomAD v4.1: 7 of 1,604,606 alleles (0.00044%); highest among the groups gnomAD compares: Non-Finnish European, 0.00059%; no homozygotes.

Submissions (10):

Labcorp Genetics (formerly Invitae), Labcorp
Classification: Likely pathogenic for Dilated cardiomyopathy 1G; Autosomal recessive limb-girdle muscular dystrophy type 2J. Last evaluated: 2025-12-29. Review status: criteria provided, single submitter. Criteria: Invitae Variant Classification Sherloc (09022015). Collection method: clinical testing. Allele origin: germline.
Comment: This sequence change creates a premature translational stop signal (p.Arg5430*) in the TTN gene. While this is not anticipated to result in nonsense mediated decay, it is expected to create a truncated TTN protein. This variant is present in population databases (no rsID available, gnomAD 0.007%). This premature translational stop signal has been observed in individual(s) with congenital myopathy (PMID: 33449170). This variant has been reported in individual(s) with atrial fibrillation (PMID: 30535219); however, the role of the variant in this condition is currently unclear. This variant is also known as c.16513C>T. ClinVar contains an entry for this variant (Variation ID: 282527). Algorithms developed to predict the effect of sequence changes on RNA splicing suggest that this variant may disrupt the consensus splice site. This variant is located in the I band of TTN (PMID: 25589632). Truncating variants in this region have been reported in individuals affected with autosomal recessive centronuclear myopathy (PMID: 23975875, internal data). Truncating variants in this region have also been identified in individuals affected with autosomal dominant dilated cardiomyopathy and/or cardio-related conditions (PMID: 27869827, 32964742, internal data). In summary, the currently available evidence indicates that the variant is pathogenic, but additional data are needed to prove that conclusively. Therefore, this variant has been classified as Likely Pathogenic.

PreventionGenetics, part of Exact Sciences
Classification: Likely pathogenic for TTN-related condition. Last evaluated: 2025-02-16. Review status: criteria provided, single submitter. Criteria: ACMG Guidelines, 2015. Collection method: clinical testing. Allele origin: germline.
Comment: The TTN c.16288C>T variant is predicted to result in premature protein termination (p.Arg5430*). This variant has been reported in the compound heterozygous state in an individual with autosomal recessive TTN‑related congenital myopathies (Rees et al. 2021. PubMed ID: 33449170). This variant has also been documented in the heterozygous state in an individual with early-onset atrial fibrillation (eTable 5, Choi et al. 2018. PubMed ID: 30535219). This variant is reported in 0.0065% of alleles in individuals of European (Non-Finnish) descent in gnomAD. This variant is located in the I-band region of TTN protein. RNAseq studies from heart tissue indicate this exon is not commonly included in TTN mRNA transcripts (PSI of 6%-17%); however, this analysis in muscle tissue was not performed (Roberts et al. 2015. PubMed ID: 25589632). TTN truncating variants are reported in 1-2% of presumably healthy individuals and occur more frequently in exons with low PSI values (Herman et al. 2012. PubMed ID: 22335739; Roberts et al. 2015. PubMed ID: 25589632). However, many cases of autosomal recessive congenital titinopathies in which the individuals carry biallelic loss of function variants in exons with low PSI values have also been reported (Ceyhan-Birsoy et al. 2013. PubMed ID: 23975875; Evilä et al. 2017. PubMed ID: 27796757; Ge et al. 2019. PubMed ID: 31053406; Bryen et al. 2020. PubMed ID: 31660661). In summary, this variant is interpreted as likely pathogenic for autosomal recessive TTN-related disorders. However, it is uncertain if this variant would be causative for autosomal dominant TTN-related disorders.

Genomic Medicine Center of Excellence, King Faisal Specialist Hospital and Research Centre
Classification: Uncertain significance for Dilated cardiomyopathy 1G. Last evaluated: 2024-04-04. Review status: criteria provided, single submitter. Criteria: ACMG Guidelines, 2015. Collection method: clinical testing. Allele origin: germline.

Blueprint Genetics
Classification: Uncertain significance. Last evaluated: 2023-01-16. Review status: criteria provided, single submitter. Criteria: ACMG Guidelines, 2015. Collection method: clinical testing. Allele origin: germline.

GeneDx
Classification: Uncertain significance. Last evaluated: 2022-05-31. Review status: criteria provided, single submitter. Criteria: GeneDx Variant Classification Process June 2021. Collection method: clinical testing. Allele origin: germline. Affected: yes.
Comment: Reported in a patient referred for whole exome sequencing and in an unrelated patient with early onset atrial fibrillation (Posey et al., 2017; Choi et al., 2018); however, detailed clinical information was not provided; Not observed at significant frequency in large population cohorts (gnomAD); Located in a region of TTN within the I-band in which the majority of loss of function variants are significantly associated with autosomal dominant titinopathies (Deo et al., 2016; Schafer et al., 2017); Nonsense variant predicted to result in protein truncation or nonsense mediated decay in a region of a gene for which loss of function is not a well-established mechanism of disease; This variant is associated with the following publications: (PMID: 27625338, 27869827, 30535219, 27959697)

Athena Diagnostics
Classification: Likely pathogenic. Last evaluated: 2020-08-31. Review status: criteria provided, single submitter. Criteria: Athena Diagnostics criteria. Collection method: clinical testing. Allele origin: unknown.
Comment: This variant is expected to result in the loss of a functional protein. The frequency of this variant in the general population is consistent with pathogenicity. This variant has been identified in at least one individual with clinical features associated with this gene. This variant occurs in the I-band of the TTN gene, and is a nonsense variant in three main isoforms (major cardiac long isoform: NM_001256850.1, major skeletal muscle long isoform: NM_133378.4, and the inferred complete isoform: NM_001267550.1). Nonsense and other truncating variants in TTN have been reported in patients with dominant cardiomyopathy, dominant tibial muscular dystrophy, recessive salih myopathy, recessive limb-girdle muscular dystrophy, and recessive centronuclear myopathy (OMIM# 188840). However, these types of variants have also been found in healthy individuals (PMID: 25589632). An alternative, in-frame, transcription start site has been identified between exons 239 and 240 (NM_001267550.1), suggesting that variants occurring in exons 1-239 may be rescued via transcription from the alternative site (PMID: 26473617). This variant falls within this region (exon 55). Cardiomyopathy and muscular dystrophy patients are reported to have truncating variants in the A-band and M-band of TTN, respectively, statistically more often than individuals in the general population (PMID: 25589632).

Revvity Omics, Revvity
Classification: Uncertain significance. Last evaluated: 2020-02-20. Review status: criteria provided, single submitter. Criteria: ACMG Guidelines, 2015. Collection method: clinical testing. Allele origin: germline.

Eurofins Ntd Llc (ga)
Classification: Uncertain significance. Last evaluated: 2015-09-03. Review status: criteria provided, single submitter. Criteria: EGL Classification Definitions 2015. Collection method: clinical testing. Allele origin: germline. Observed: 1 variant allele, 1 heterozygote.

Baylor Genetics
Classification: Pathogenic for Dilated cardiomyopathy 1G; Hypertrophic cardiomyopathy 9; Tibial muscular dystrophy; Myopathy, myofibrillar, 9, with early respiratory failure. Last evaluated: 2015-07-04. Review status: no assertion criteria provided. Collection method: clinical testing. Allele origin: maternal. Inheritance: Autosomal dominant inheritance. Observed: 3 variant alleles, 3 heterozygotes. Not counted in ClinVar's aggregate classification.
Comment: The variant in NOTCH1 is predicted to cause a nonsense mutation and is categorized as deleterious by ACMGG guidelines [PMID: 18414213].

Practice for Gait Abnormalities, David Pomarino, Competency Network Toe Walking C/o Practice Pomarino
Classification: Likely pathogenic for Tip-toe gait. Last evaluated: 2022-10-10. Review status: flagged submission. Collection method: clinical testing. Allele origin: germline. Affected: yes. Not counted in ClinVar's aggregate classification.
Comment: Myopathy refers to diseases that affect skeletal Muscles. These diseases attack muscle fibers, making muscles weak. Inherited myopathies are often caused by inheriting an abnormal gene mutation from a parent that causes the disease. Symptoms of congenital myopathies usually start at birth or in early childhood, but may not appear until the teen years or even later in adulthood. Congenital myopathies are somewhat unique compared with other inherited myopathies, as weakness typically affects all muscles and is often not progressive. Symptoms are: Muscle weakness, most commonly of upper arms and shoulders and thighs, muscle cramps, stiffness and spasms, fatigue with exertion and lack of energy. Our patients all walk on tiptoe, so they show similar symptoms. When we genetically test them with our toe walking panel, we find that around 90 per cent of them have a genetic variant that explains their toe walking. These can be assigned, for example, to the area of myopathies (such as variants of the COL6A3 gene), the area of hereditary neuropathies (such as variants of the KMT2C gene) or the area of metabolic diseases (such as variants of the PYGM gene). In a smaller group of patients with almost identical symptoms, no abnormality is found in the genes of our panel, but spastic paraplegia can be detected. In another small group of our toe walkers, no abnormalities can be detected in the genes analysed in our toe walking panel, nor do they suffer from spastic paraplegia, as is also the case with healthy children. In contrast to these, however, they show a tiptoe gait. These patients suffer from infantile cerebral palsy, in which toe walking can also be observed.
ClinVar note: Notes: This gene has insufficient supporting evidence for isolated Tip-Toe Gait.
ClinVar note: Reason: Claim with insufficient supporting evidence

Literature cited by the submitters: PubMed 33449170 (cited by Labcorp Genetics (formerly Invitae), Labcorp); PubMed 30535219 (cited by Labcorp Genetics (formerly Invitae), Labcorp and Athena Diagnostics); PubMed 25589632 (cited by Labcorp Genetics (formerly Invitae), Labcorp and Athena Diagnostics); PubMed 23975875 (cited by Labcorp Genetics (formerly Invitae), Labcorp); PubMed 27869827 (cited by Labcorp Genetics (formerly Invitae), Labcorp); PubMed 32964742 (cited by Labcorp Genetics (formerly Invitae), Labcorp); PubMed 27959697 (cited by Athena Diagnostics); PubMed 26473617 (cited by Athena Diagnostics); PubMed 37091313 (cited by Practice for Gait Abnormalities, David Pomarino, Competency Network Toe Walking C/o Practice Pomarino).

NM_001267550.2(TTN):c.16288C>T (p.Arg5430Ter)

Gene: TTN (titin; minus strand). Cytogenetic location: 2q31.2.
Variant type: single nucleotide variant.
Coding change: c.16288C>T on transcript NM_001267550.2 (MANE Select); coding-DNA position 16288, C replaced by T.
Protein change: p.Arg5430Ter; replaces arginine 5430 with a stop codon.
Molecular consequence: nonsense. On other transcripts: intron variant (3).
Genome position (GRCh38, 1-based): chr2:178,732,888, G>A on the plus strand (C>T on the coding strand, the complement: TTN is on the minus strand). VCF-style: chr2-178732888-G-A. GRCh37 (hg19) VCF-style: chr2-179597615-G-A.
Other names: c.15337C>T, p.Arg5113Ter (NM_001256850.1); c.12556C>T, p.Arg4186Ter (NM_133378.4); c.13282+5194C>T (NM_003319.4); c.13858+5194C>T (NM_133437.4); c.13657+5194C>T (NM_133432.3); c.16288C>T (NM_001267550.1); short protein forms R4186*, R5113*, R5430*.
Identifiers: ClinVar variation 282527 (VCV000282527.25), dbSNP rs772235481, ClinGen allele CA10604206.
Genomic context (GRCh38, chr2:178,732,888, plus strand): 5'-GCCAACCTTGCACAATCAGGGCTCCACTGCTGTCTTTGCTTCCCACGGAATTTGTGGCTC[G>A]ACAAGTGAAATTCCCTGCATCATTCATGTCTACTCTGATGATCTCCAAAGAGGCTGTGCC-3'